The following is an entry in ClinVar:

NM_007348.4(ATF6):c.702G>T (p.Leu234Phe)

Gene: ATF6 (activating transcription factor 6; plus strand). Cytogenetic location: 1q23.3.
Variant type: single nucleotide variant.
Coding change: c.702G>T on transcript NM_007348.4 (MANE Select); coding-DNA position 702, G replaced by T.
Protein change: p.Leu234Phe; replaces leucine 234 with phenylalanine.
Molecular consequence: missense variant.
Genome position (GRCh38, 1-based): chr1:161,802,065, G>T. VCF-style: chr1-161802065-G-T. GRCh37 (hg19) VCF-style: chr1-161771855-G-T.
Other names: short protein forms L234F.
Identifiers: ClinVar variation 1369553 (VCV001369553.7), dbSNP rs776524423, ClinGen allele CA1214284.

ClinVar aggregate classification (germline): Uncertain significance (1 of 4 stars; one submission).

Allele frequency attached by ClinVar (database versions not stated): gnomAD exomes below 0.00001; ExAC 0.00001.
gnomAD v4.1: 1 of 1,614,018 alleles (0.000062%); highest among the groups gnomAD compares: Non-Finnish European, 0.000085%; no homozygotes.

Submissions (2):

Labcorp Genetics (formerly Invitae), Labcorp
Classification: Uncertain significance. Last evaluated: 2022-11-08. Review status: criteria provided, single submitter. Criteria: Invitae Variant Classification Sherloc (09022015). Collection method: clinical testing. Allele origin: germline.
Comment: In summary, the available evidence is currently insufficient to determine the role of this variant in disease. Therefore, it has been classified as a Variant of Uncertain Significance. Advanced modeling of protein sequence and biophysical properties (such as structural, functional, and spatial information, amino acid conservation, physicochemical variation, residue mobility, and thermodynamic stability) performed at Invitae indicates that this missense variant is not expected to disrupt ATF6 protein function. ClinVar contains an entry for this variant (Variation ID: 1369553). This variant has not been reported in the literature in individuals affected with ATF6-related conditions. This variant is present in population databases (rs776524423, gnomAD 0.0009%). This sequence change replaces leucine, which is neutral and non-polar, with phenylalanine, which is neutral and non-polar, at codon 234 of the ATF6 protein (p.Leu234Phe).

Dr. Peter K. Rogan Lab, Western University
No classification provided (evidence only). Condition: Clear cell carcinoma of kidney. Review status: no classification provided. Collection method: in vitro. Allele origin: not applicable. Functional consequence: retained intron. Not counted in ClinVar's aggregate classification.